The following is an entry in ClinVar:

ClinVar aggregate classification (germline): Likely benign (0 of 4 stars; one submission).

Conditions:
CCAR2-related disorder. Also called: CCAR2-related condition.

Allele frequency attached by ClinVar (database versions not stated): 1000 Genomes Project 30x 0.00109; TOPMed 0.00133; 1000 Genomes Project 0.00140; ExAC 0.00186; gnomAD 0.00200; gnomAD exomes 0.00242; ESP Exome Variant Server 0.00246.
gnomAD v4.1: 3,774 of 1,613,982 alleles (0.23%); highest among the groups gnomAD compares: Non-Finnish European, 0.26%; 9 homozygotes.

Submission:

PreventionGenetics, part of Exact Sciences
Classification: Likely benign for CCAR2-related condition. Last evaluated: 2019-03-01. Review status: no assertion criteria provided. Collection method: clinical testing. Allele origin: germline.
Comment: This variant is classified as likely benign based on ACMG/AMP sequence variant interpretation guidelines (Richards et al. 2015 PMID: 25741868, with internal and published modifications).

NM_001393997.1(CCAR2):c.519T>G (p.Leu173=)

Gene: CCAR2 (cell cycle and apoptosis regulator 2; plus strand). Cytogenetic location: 8p21.3.
Variant type: single nucleotide variant.
Coding change: c.519T>G on transcript NM_001393997.1 (MANE Select); coding-DNA position 519, T replaced by G.
Protein change: p.Leu173=; no amino-acid change (leucine 173 retained).
Molecular consequence: synonymous variant.
Genome position (GRCh38, 1-based): chr8:22,608,000, T>G. VCF-style: chr8-22608000-T-G. GRCh37 (hg19) VCF-style: chr8-22465513-T-G.
Other names: c.519T>G, p.Leu173= (NM_001363068.2, NM_001363069.2, NM_021174.6).
Identifiers: ClinVar variation 3053112 (VCV003053112.2), dbSNP rs147457641, ClinGen allele CA4670317.